The following is an entry in ClinVar:

Conditions:
Breast-ovarian cancer, familial, susceptibility to, 1 (BROVCA1). Also called: BRCA1 Hereditary Breast and Ovarian Cancer; OVARIAN CANCER, SUSCEPTIBILITY TO. Identifiers: Orphanet 145, MedGen C2676676, MONDO:0011450, OMIM 604370. Disease mechanism: loss of function.

Submission:

Brotman Baty Institute, University of Washington
No classification provided (evidence only). Condition: Breast-ovarian cancer, familial 1. Review status: no classification provided. Collection method: in vitro. Allele origin: not applicable. Functional consequence: functionally_normal.
ClinVar note: "not provided" was previously submitted as the classification for the variant. However, the classification appeared to be based only on an observation of functional data so it was converted to no classification on 2025-07-30.

NM_007294.4(BRCA1):c.5332+23G>T

Gene: BRCA1 (BRCA1 DNA repair associated; minus strand). Cytogenetic location: 17q21.31.
Variant type: single nucleotide variant.
Coding change: c.5332+23G>T on transcript NM_007294.4 (MANE Select); 23 bases into the intron after coding-DNA position 5332, G replaced by T.
Molecular consequence: intron variant.
Genome position (GRCh38, 1-based): chr17:43,051,040, C>A on the plus strand (G>T on the coding strand, the complement: BRCA1 is on the minus strand). VCF-style: chr17-43051040-C-A. GRCh37 (hg19) VCF-style: chr17-41203057-C-A.
Other names: c.5188+23G>T (NM_001407746.1, NM_001407738.1, NM_001407742.1 and 21 more transcripts); c.1879+23G>T (NM_001408461.1, NM_001408464.1, NM_001408467.1 and 7 more transcripts); c.5122+23G>T (NM_001407886.1, NM_001407881.1, NM_001407887.1 and 5 more transcripts); c.5203+23G>T (NM_001407686.1, NM_001407685.1, NM_001407688.1 and 6 more transcripts); c.2017+23G>T (NM_001408397.1, NM_001408401.1, NM_001408396.1 and 8 more transcripts); c.5326+23G>T (NM_001407632.1, NM_001407627.1, NM_001407861.1 and 14 more transcripts); c.5329+23G>T (NM_001407613.1, NM_001407618.1, NM_001407614.1 and 17 more transcripts); c.1897+23G>T (NM_001408436.1, NM_001408435.1, NM_001408444.1 and 10 more transcripts); and 74 more.
Identifiers: ClinVar variation 868333 (VCV000868333.3), dbSNP rs2051190177, ClinGen allele CA916080949.